The following is an entry in ClinVar:

NM_014915.3(ANKRD26):c.3386A>G (p.Gln1129Arg)

Gene: ANKRD26 (ankyrin repeat domain containing 26; minus strand). Cytogenetic location: 10p12.1.
Variant type: single nucleotide variant.
Coding change: c.3386A>G on transcript NM_014915.3 (MANE Select); coding-DNA position 3386, A replaced by G.
Protein change: p.Gln1129Arg; replaces glutamine 1129 with arginine.
Molecular consequence: missense variant.
Genome position (GRCh38, 1-based): chr10:27,035,064, T>C on the plus strand (A>G on the coding strand, the complement: ANKRD26 is on the minus strand). VCF-style: chr10-27035064-T-C. GRCh37 (hg19) VCF-style: chr10-27323993-T-C.
Other names: c.3383A>G, p.Gln1128Arg (NM_001256053.2); short protein forms Q1128R, Q1129R.
Identifiers: ClinVar variation 3360483 (VCV003360483.2).

ClinVar aggregate classification (germline): Uncertain significance. Review status: criteria provided, multiple submitters, no conflicts (2 of 4 stars). 2 submissions from 2 submitters: Uncertain significance (2). Last evaluated 2025-02-09.

Conditions:
Inborn genetic diseases. Identifiers: MedGen C0950123, MeSH D030342.

gnomAD v4.1: 2 of 1,613,342 alleles (0.00012%); highest among the groups gnomAD compares: Non-Finnish European, 0.00017%; no homozygotes.

Submissions (2):

Ambry Genetics
Classification: Uncertain significance for Inborn genetic diseases. Last evaluated: 2025-02-09. Review status: criteria provided, single submitter. Criteria: Ambry Variant Classification Scheme 2023. Collection method: clinical testing. Allele origin: germline.
Comment: The p.Q1129R variant (also known as c.3386A>G), located in coding exon 24 of the ANKRD26 gene, results from an A to G substitution at nucleotide position 3386. The glutamine at codon 1129 is replaced by arginine, an amino acid with highly similar properties. This amino acid position is conserved. In addition, this alteration is predicted to be tolerated by in silico analysis. Based on the available evidence, the clinical significance of this variant remains unclear.

GeneDx
Classification: Uncertain significance. Last evaluated: 2023-07-05. Review status: criteria provided, single submitter. Criteria: GeneDx Variant Classification Process June 2021. Collection method: clinical testing. Allele origin: germline. Affected: yes.
Comment: Not observed at significant frequency in large population cohorts (gnomAD); In silico analysis supports that this missense variant has a deleterious effect on protein structure/function; Has not been previously published as pathogenic or benign to our knowledge